The following is an entry in ClinVar:

NM_006017.3(PROM1):c.763G>T (p.Glu255Ter)

Gene: PROM1 (prominin 1; minus strand). Cytogenetic location: 4p15.32.
Variant type: single nucleotide variant.
Coding change: c.763G>T on transcript NM_006017.3 (MANE Select); coding-DNA position 763, G replaced by T.
Protein change: p.Glu255Ter; replaces glutamic acid 255 with a stop codon.
Molecular consequence: nonsense. On other transcripts: non-coding transcript variant (2).
Genome position (GRCh38, 1-based): chr4:16,023,347, C>A on the plus strand (G>T on the coding strand, the complement: PROM1 is on the minus strand). VCF-style: chr4-16023347-C-A. GRCh37 (hg19) VCF-style: chr4-16024970-C-A.
Other names: c.736G>T, p.Glu246Ter (NM_001145847.2, NM_001145848.2, NM_001145851.2 and 9 more transcripts); c.763G>T, p.Glu255Ter (NM_001145849.2, NM_001145850.2); c.652G>T, p.Glu218Ter (NM_001441174.1); c.397G>T, p.Glu133Ter (NM_001441179.1); short protein forms E246*, E255*, E218*, E133*.
Identifiers: ClinVar variation 4725662 (VCV004725662.1).

ClinVar aggregate classification (germline): Pathogenic (1 of 4 stars; one submission).

Submission:

Labcorp Genetics (formerly Invitae), Labcorp
Classification: Pathogenic. Last evaluated: 2025-08-18. Review status: criteria provided, single submitter. Criteria: Invitae Variant Classification Sherloc (09022015). Collection method: clinical testing. Allele origin: germline.
Comment: This sequence change creates a premature translational stop signal (p.Glu255*) in the PROM1 gene. It is expected to result in an absent or disrupted protein product. Loss-of-function variants in PROM1 are known to be pathogenic (PMID: 17605048, 19718270, 24154662, 25474345). This variant is not present in population databases (gnomAD no frequency). This variant has not been reported in the literature in individuals affected with PROM1-related conditions. For these reasons, this variant has been classified as Pathogenic.

Literature cited by the submitters: PubMed 17605048; PubMed 19718270; PubMed 24154662; PubMed 25474345.